The following is an entry in ClinVar:

NM_001077268.2(ZFYVE19):c.995G>A (p.Arg332Gln)

Gene: ZFYVE19 (zinc finger FYVE-type containing 19; plus strand). Cytogenetic location: 15q15.1.
Variant type: single nucleotide variant.
Coding change: c.995G>A on transcript NM_001077268.2 (MANE Select); coding-DNA position 995, G replaced by A.
Protein change: p.Arg332Gln; replaces arginine 332 with glutamine.
Molecular consequence: missense variant. On other transcripts: intron variant (1).
Genome position (GRCh38, 1-based): chr15:40,812,867, G>A. VCF-style: chr15-40812867-G-A. GRCh37 (hg19) VCF-style: chr15-41105065-G-A.
Other names: c.470G>A, p.Arg157Gln (NM_001258421.2); c.965G>A, p.Arg322Gln (NM_032850.5); c.827-471G>A (NM_001258420.2); short protein forms R322Q, R157Q, R332Q.
Identifiers: ClinVar variation 4205653 (VCV004205653.2).

ClinVar aggregate classification (germline): Uncertain significance. Review status: criteria provided, multiple submitters, no conflicts (2 of 4 stars). 2 submissions from 2 submitters: Uncertain significance (2). Last evaluated 2026-02-17.

Conditions:
ZFYVE19-related disorder. Also called: ZFYVE19-related condition.

gnomAD v4.1: 9 of 1,612,974 alleles (0.00056%); highest among the groups gnomAD compares: African/African-American, 0.0027%; no homozygotes.

Submissions (2):

PreventionGenetics, part of Exact Sciences
Classification: Uncertain significance for ZFYVE19-related condition. Last evaluated: 2026-02-17. Review status: criteria provided, single submitter. Criteria: ACMG Guidelines, 2015. Collection method: clinical testing. Allele origin: germline.
Comment: The ZFYVE19 c.995G>A variant is predicted to result in the amino acid substitution p.Arg332Gln. To our knowledge, this variant has not been reported in the literature. This variant is reported in 0.0065% of alleles in individuals of African descent in gnomAD. At this time, the clinical significance of this variant is uncertain due to the absence of conclusive functional and genetic evidence.

Ambry Genetics
Classification: Uncertain significance. Last evaluated: 2025-08-20. Review status: criteria provided, single submitter. Criteria: Ambry Variant Classification Scheme 2023. Collection method: clinical testing. Allele origin: germline.